The following is an entry in ClinVar:

NM_000038.6(APC):c.1810G>A (p.Ala604Thr)

Gene: APC (APC regulator of Wnt signaling pathway; plus strand). Cytogenetic location: 5q22.2.
Variant type: single nucleotide variant.
Coding change: c.1810G>A on transcript NM_000038.6 (MANE Select); coding-DNA position 1810, G replaced by A.
Protein change: p.Ala604Thr; replaces alanine 604 with threonine.
Molecular consequence: missense variant.
Genome position (GRCh38, 1-based): chr5:112,835,017, G>A. VCF-style: chr5-112835017-G-A. GRCh37 (hg19) VCF-style: chr5-112170714-G-A.
Other names: c.1810G>A, p.Ala604Thr (NM_001127510.3, NM_001354895.2); c.1756G>A, p.Ala586Thr (NM_001127511.3); c.1864G>A, p.Ala622Thr (NM_001354896.2); c.1840G>A, p.Ala614Thr (NM_001354897.2); c.1735G>A, p.Ala579Thr (NM_001354898.2); c.1726G>A, p.Ala576Thr (NM_001354899.2); c.1687G>A, p.Ala563Thr (NM_001354900.2); c.1633G>A, p.Ala545Thr (NM_001354901.2); and 5 more; short protein forms A604T, A586T, A444T, A513T, A478T, A545T, A563T, A622T.
Identifiers: ClinVar variation 485116 (VCV000485116.23), dbSNP rs1554083143, ClinGen allele CA16025282.
Genomic context (GRCh38, chr5:112,835,017, plus strand): 5'-ACCCTCAAAAGCGTATTGAGTGCCTTATGGAATTTGTCAGCACATTGCACTGAGAATAAA[G>A]CTGATATATGTGCTGTAGATGGTGCACTTGCATTTTTGGTTGGCACTCTTACTTACCGGA-3'
Protein context (NP_000029.2, residues 594-614): NLSAHCTENK[Ala604Thr]DICAVDGALA

ClinVar aggregate classification (germline): Uncertain significance. Review status: criteria provided, multiple submitters, no conflicts (2 of 4 stars). 4 submissions from 4 submitters: Uncertain significance (4). Last evaluated 2025-11-14.

Conditions:
Familial adenomatous polyposis 1 (FAP1). Also called: FAMILIAL ADENOMATOUS POLYPOSIS 1, ATTENUATED; POLYPOSIS, ADENOMATOUS INTESTINAL. Identifiers: MedGen C2713442, MONDO:0021056, OMIM 175100. Disease mechanism: loss of function.
Hereditary cancer-predisposing syndrome. Also called: Neoplastic Syndromes, Hereditary; Tumor predisposition; Hereditary Cancer Syndrome; Hereditary neoplastic syndrome. Identifiers: Orphanet 140162, MedGen C0027672, MeSH D009386, MONDO:0015356.
Classic or attenuated familial adenomatous polyposis. Identifiers: MedGen CN372698, MONDO:0021057.

Submissions (4):

Color Diagnostics, LLC DBA Color Health
Classification: Uncertain significance for Hereditary cancer-predisposing syndrome. Last evaluated: 2025-11-14. Review status: criteria provided, single submitter. Criteria: ACMG Guidelines, 2015. Collection method: clinical testing. Allele origin: germline.
Comment: This missense variant replaces alanine with threonine at codon 604 of the APC protein. To our knowledge, functional studies have not been reported for this variant. This variant has not been reported in individuals affected with APC-related disorders in the literature. This variant has not been identified in the general population by the Genome Aggregation Database (gnomAD). The available evidence is insufficient to determine the role of this variant in disease conclusively. Therefore, this variant is classified as a Variant of Uncertain Significance.

Labcorp Genetics (formerly Invitae), Labcorp
Classification: Uncertain significance for Familial adenomatous polyposis 1. Last evaluated: 2025-10-02. Review status: criteria provided, single submitter. Criteria: Invitae Variant Classification Sherloc (09022015). Collection method: clinical testing. Allele origin: germline.
Comment: This sequence change replaces alanine, which is neutral and non-polar, with threonine, which is neutral and polar, at codon 604 of the APC protein (p.Ala604Thr). This variant is not present in population databases (gnomAD no frequency). This variant has not been reported in the literature in individuals affected with APC-related conditions. ClinVar contains an entry for this variant (Variation ID: 485116). Invitae Evidence Modeling of protein sequence and biophysical properties (such as structural, functional, and spatial information, amino acid conservation, physicochemical variation, residue mobility, and thermodynamic stability) indicates that this missense variant is not expected to disrupt APC protein function with a negative predictive value of 95%. In summary, the available evidence is currently insufficient to determine the role of this variant in disease. Therefore, it has been classified as a Variant of Uncertain Significance.

Ambry Genetics
Classification: Uncertain significance for Hereditary cancer-predisposing syndrome. Last evaluated: 2025-08-14. Review status: criteria provided, single submitter. Criteria: Ambry Variant Classification Scheme 2023. Collection method: clinical testing. Allele origin: germline.
Comment: The p.A604T variant (also known as c.1810G>A), located in coding exon 14 of the APC gene, results from a G to A substitution at nucleotide position 1810. The alanine at codon 604 is replaced by threonine, an amino acid with similar properties. This amino acid position is highly conserved in available vertebrate species. In addition, in silico predictors for this gene do not accurately predict pathogenicity. Since supporting evidence is limited at this time, the clinical significance of this alteration remains unclear.

All of Us Research Program, National Institutes of Health
Classification: Uncertain significance for Classic or attenuated familial adenomatous polyposis. Last evaluated: 2023-07-19. Review status: criteria provided, single submitter. Criteria: ACMG Guidelines, 2015. Collection method: clinical testing. Allele origin: germline. Inheritance: Autosomal dominant inheritance. Observed: 1 variant allele, 1 heterozygote.
Comment: This missense variant replaces alanine with threonine at codon 604 of the APC protein. Computational prediction suggests that this variant may not impact protein structure and function (internally defined REVEL score threshold <= 0.5, PMID: 27666373). To our knowledge, functional studies have not been reported for this variant. This variant has not been reported in individuals affected with APC-related disorders in the literature. This variant has not been identified in the general population by the Genome Aggregation Database (gnomAD). The available evidence is insufficient to determine the role of this variant in disease conclusively. Therefore, this variant is classified as a Variant of Uncertain Significance.

This study involves interpretation of variants in research participants for the purpose of population health screening. Participant phenotype was not available at the time of variant classification. Additional details can be found in publication PMID: 35346344, PMCID: PMC8962531